The following is an entry in ClinVar:

NM_001271.4(CHD2):c.2337A>G (p.Gly779=)

Gene: CHD2 (chromodomain helicase DNA binding protein 2; plus strand). Cytogenetic location: 15q26.1.
Variant type: single nucleotide variant.
Coding change: c.2337A>G on transcript NM_001271.4 (MANE Select); coding-DNA position 2337, A replaced by G.
Protein change: p.Gly779=; no amino-acid change (glycine 779 retained).
Molecular consequence: synonymous variant.
Genome position (GRCh38, 1-based): chr15:92,971,912, A>G. VCF-style: chr15-92971912-A-G. GRCh37 (hg19) VCF-style: chr15-93515142-A-G.
Identifiers: ClinVar variation 385502 (VCV000385502.41), dbSNP rs138084718, ClinGen allele CA7747956.
Genomic context (GRCh38, chr15:92,971,912, plus strand): 5'-AAAATGTTGCAACCACTGCTATCTGATTAAACCCCCTGAAGAAAATGAAAGGGAAAATGG[A>G]CAGGAGATTCTTCTGGTAGGTAGTTCCTCATAATTACTTTCTCAAAAAAAACGCTTAGTT-3'
Protein context (NP_001262.3, residues 769-789): KPPEENEREN[Gly779=]QEILLSLIRS

ClinVar aggregate classification (germline): Benign/Likely benign. Review status: criteria provided, multiple submitters, no conflicts (2 of 4 stars). 6 submissions from 6 submitters: Benign (4); Likely benign (2). Last evaluated 2026-02-03.

Conditions:
Inborn genetic diseases. Identifiers: MedGen C0950123, MeSH D030342.
Developmental and epileptic encephalopathy 94 (DEE94). Also called: Epileptic encephalopathy, childhood-onset; CHD2-Related Neurodevelopmental Disorders. Identifiers: Orphanet 1942, Orphanet 2382, MedGen C3809278, MONDO:0014150, OMIM 615369.

Allele frequency attached by ClinVar (database versions not stated): gnomAD 0.00040 and 0.00058; TOPMed 0.00124; 1000 Genomes Project 30x 0.00297; 1000 Genomes Project 0.00319.
gnomAD v4.1: 793 of 1,611,092 alleles (0.049%); highest among the groups gnomAD compares: East Asian, 1.5%; 7 homozygotes.

Submissions (6):

Labcorp Genetics (formerly Invitae), Labcorp
Classification: Benign for Developmental and epileptic encephalopathy 94. Last evaluated: 2026-02-03. Review status: criteria provided, single submitter. Criteria: Invitae Variant Classification Sherloc (09022015). Collection method: clinical testing. Allele origin: germline.

ARUP Laboratories, Molecular Genetics and Genomics, ARUP Laboratories
Classification: Benign for Developmental and epileptic encephalopathy 94. Last evaluated: 2024-11-14. Review status: criteria provided, single submitter. Criteria: ARUP Molecular Germline Variant Investigation Process 2024. Collection method: clinical testing. Allele origin: germline.

Blueprint Genetics
Classification: Likely benign. Last evaluated: 2024-11-13. Review status: criteria provided, single submitter. Criteria: ACMG Guidelines, 2015. Collection method: clinical testing. Allele origin: germline.

CeGaT Center for Human Genetics Tuebingen
Classification: Likely benign. Last evaluated: 2023-04-01. Review status: criteria provided, single submitter. Criteria: CeGaT Center For Human Genetics Tuebingen Variant Classification Criteria Version 2. Collection method: clinical testing. Allele origin: germline. Affected: yes. Observed: 2 variant alleles.
Comment: CHD2: BP4, BP7, BS1

Ambry Genetics
Classification: Benign for Inborn genetic diseases. Last evaluated: 2016-12-13. Review status: criteria provided, single submitter. Criteria: Ambry Variant Classification Scheme 2023. Collection method: clinical testing. Allele origin: germline.

GeneDx
Classification: Benign. Last evaluated: 2016-05-10. Review status: criteria provided, single submitter. Criteria: GeneDx Variant Classification (06012015). Collection method: clinical testing. Allele origin: germline. Affected: yes.
Comment: This variant is considered likely benign or benign based on one or more of the following criteria: it is a conservative change, it occurs at a poorly conserved position in the protein, it is predicted to be benign by multiple in silico algorithms, and/or has population frequency not consistent with disease.